The following is an entry in ClinVar:

NM_000051.4(ATM):c.2858A>G (p.Glu953Gly)

Gene: ATM (ATM serine/threonine kinase; plus strand). Cytogenetic location: 11q22.3.
Variant type: single nucleotide variant.
Coding change: c.2858A>G on transcript NM_000051.4 (MANE Select); coding-DNA position 2858, A replaced by G.
Protein change: p.Glu953Gly; replaces glutamic acid 953 with glycine.
Molecular consequence: missense variant.
Genome position (GRCh38, 1-based): chr11:108,271,083, A>G. VCF-style: chr11-108271083-A-G. GRCh37 (hg19) VCF-style: chr11-108141810-A-G.
Other names: c.2858A>G, p.Glu953Gly (NM_001351834.2); short protein forms E953G.
Identifiers: ClinVar variation 1796903 (VCV001796903.3), dbSNP rs2135547667, ClinGen allele CA382546752.
Genomic context (GRCh38, chr11:108,271,083, plus strand): 5'-TTTGTGGATAAACCTGATTTTTTTCCCTCCTACCATCTTAGTATCTAATGCTTTTAAAGG[A>G]GCTTCCTGGAGAAGAGTACCCCTTGCCAATGGAAGATGTTCTTGAACTTCTGAAACCACT-3'
Protein context (NP_000042.3, residues 943-963): HLHMYLMLLK[Glu953Gly]LPGEEYPLPM

ClinVar aggregate classification (germline): Uncertain significance. Review status: criteria provided, multiple submitters, no conflicts (2 of 4 stars). 2 submissions from 2 submitters: Uncertain significance (2). Last evaluated 2023-06-02.

Conditions:
Hereditary cancer-predisposing syndrome. Also called: Tumor predisposition; Hereditary Cancer Syndrome; Neoplastic Syndromes, Hereditary; Hereditary neoplastic syndrome. Identifiers: Orphanet 140162, MedGen C0027672, MeSH D009386, MONDO:0015356.
Familial cancer of breast. Also called: Hereditary breast cancer; BREAST CANCER, FAMILIAL; hereditary breast carcinoma. Identifiers: Orphanet 227535, MedGen C0346153, MONDO:0016419, OMIM 114480. Disease mechanism: loss of function.

Submissions (2):

Baylor Genetics
Classification: Uncertain significance for Familial cancer of breast. Last evaluated: 2023-06-02. Review status: criteria provided, single submitter. Criteria: ACMG Guidelines, 2015. Collection method: clinical testing. Allele origin: unknown.

Ambry Genetics
Classification: Uncertain significance for Hereditary cancer-predisposing syndrome. Last evaluated: 2022-03-14. Review status: criteria provided, single submitter. Criteria: Ambry Variant Classification Scheme 2023. Collection method: clinical testing. Allele origin: germline.
Comment: The p.E953G variant (also known as c.2858A>G), located in coding exon 18 of the ATM gene, results from an A to G substitution at nucleotide position 2858. The glutamic acid at codon 953 is replaced by glycine, an amino acid with similar properties. This amino acid position is conserved. In addition, this alteration is predicted to be tolerated by in silico analysis. Since supporting evidence is limited at this time, the clinical significance of this alteration remains unclear.